The following is an entry in ClinVar:

ClinVar aggregate classification (germline): Pathogenic (1 of 4 stars; one submission).

Submission:

ISCA site 15
Classification: Pathogenic. Last evaluated: 2011-08-12. Review status: criteria provided, single submitter. Criteria: Kaminsky et al. (Genet Med. 2011). Collection method: clinical testing. Allele origin: unknown. Affected: yes. Observed: 1 variant allele.
Comment: Copy number variation identified through the course of routine clinical cytogenomic testing in postnatal populations. Clinical assertions have been curated as described in Kaminsky et al. 2011.

GRCh38/hg38 15q26.2-26.3(chr15:97735430-101810992)x1

Genes: LRRC28 (leucine rich repeat containing 28; plus strand), LRRK1 (leucine rich repeat kinase 1; plus strand), LRRK1-AS1 (LRRK1 antisense RNA 1; minus strand), LUNAR1 (leukemia-associated non-coding IGF1R activator RNA 1; plus strand), LYSMD4 (LysM domain containing 4; minus strand) and 173 more. Cytogenetic location: 15q26.2-26.3.
Variant type: copy number loss.
Change: copy number 1 (one copy instead of two) of chr15:97,735,430-101,810,992 (4.08 Mb, GRCh38 coordinates, 1-based), cytogenetic band 15q26.2-26.3.
Identifiers: ClinVar variation 59404 (VCV000059404.1).